The following is an entry in ClinVar:

NM_000532.5(PCCB):c.185G>C (p.Gly62Ala)

Gene: PCCB (propionyl-CoA carboxylase subunit beta; plus strand). Cytogenetic location: 3q22.3.
Variant type: single nucleotide variant.
Coding change: c.185G>C on transcript NM_000532.5 (MANE Select); coding-DNA position 185, G replaced by C.
Protein change: p.Gly62Ala; replaces glycine 62 with alanine.
Molecular consequence: missense variant.
Genome position (GRCh38, 1-based): chr3:136,255,857, G>C. VCF-style: chr3-136255857-G-C. GRCh37 (hg19) VCF-style: chr3-135974699-G-C.
Other names: c.185G>C, p.Gly62Ala (NM_001178014.2); short protein forms G62A.
Identifiers: ClinVar variation 343460 (VCV000343460.6), dbSNP rs886058017, ClinGen allele CA10615370.

ClinVar aggregate classification (germline): Uncertain significance. Review status: criteria provided, multiple submitters, no conflicts (2 of 4 stars). 2 submissions from 2 submitters: Uncertain significance (2). Last evaluated 2022-04-28.

Conditions:
Propionic acidemia (PROP). Also called: GLYCINEMIA, KETOTIC; HYPERGLYCINEMIA WITH KETOACIDOSIS AND LEUKOPENIA; KETOTIC HYPERGLYCINEMIA. Identifiers: Orphanet 35, MedGen C0268579, MONDO:0011628, OMIM 606054, HP:0003571.

Allele frequency attached by ClinVar (database versions not stated): TOPMed 0.00001.

Submissions (2):

Labcorp Genetics (formerly Invitae), Labcorp
Classification: Uncertain significance for Propionic acidemia. Last evaluated: 2022-04-28. Review status: criteria provided, single submitter. Criteria: Invitae Variant Classification Sherloc (09022015). Collection method: clinical testing. Allele origin: germline.
Comment: This sequence change replaces glycine, which is neutral and non-polar, with alanine, which is neutral and non-polar, at codon 62 of the PCCB protein (p.Gly62Ala). This variant is not present in population databases (gnomAD no frequency). This variant has not been reported in the literature in individuals affected with PCCB-related conditions. ClinVar contains an entry for this variant (Variation ID: 343460). Algorithms developed to predict the effect of missense changes on protein structure and function (SIFT, PolyPhen-2, Align-GVGD) all suggest that this variant is likely to be disruptive. In summary, the available evidence is currently insufficient to determine the role of this variant in disease. Therefore, it has been classified as a Variant of Uncertain Significance.

Illumina Laboratory Services, Illumina
Classification: Uncertain significance for Propionic acidemia. Last evaluated: 2018-01-12. Review status: criteria provided, single submitter. Criteria: ICSL Variant Classification Criteria 13 December 2019. Collection method: clinical testing. Allele origin: germline.